The following is an entry in ClinVar:

NM_000540.3(RYR1):c.10333T>C (p.Trp3445Arg)

Gene: RYR1 (ryanodine receptor 1; plus strand). Cytogenetic location: 19q13.2.
Variant type: single nucleotide variant.
Coding change: c.10333T>C on transcript NM_000540.3 (MANE Select); coding-DNA position 10333, T replaced by C.
Protein change: p.Trp3445Arg; replaces tryptophan 3445 with arginine.
Molecular consequence: missense variant.
Genome position (GRCh38, 1-based): chr19:38,523,101, T>C. VCF-style: chr19-38523101-T-C. GRCh37 (hg19) VCF-style: chr19-39013741-T-C.
Other names: c.10333T>C, p.Trp3445Arg (NM_001042723.2); short protein forms W3445R.
Identifiers: ClinVar variation 4282186 (VCV004282186.1).

ClinVar aggregate classification (germline): Uncertain significance (1 of 4 stars; one submission).

gnomAD v4.1: 3 of 1,613,274 alleles (0.00019%); highest among the groups gnomAD compares: South Asian, 0.0022%; no homozygotes.

Submission:

GeneDx
Classification: Uncertain significance. Last evaluated: 2025-04-15. Review status: criteria provided, single submitter. Criteria: GeneDx Variant Classification Process June 2021. Collection method: clinical testing. Allele origin: germline. Affected: yes.
Comment: Not observed at significant frequency in large population cohorts (gnomAD); In silico analysis supports that this missense variant has a deleterious effect on protein structure/function; Has not been previously published as pathogenic or benign to our knowledge